The following is an entry in ClinVar:

ClinVar aggregate classification (germline): Uncertain significance (1 of 4 stars; one submission).

Conditions:
Familial adenomatous polyposis 1 (FAP1). Also called: FAMILIAL ADENOMATOUS POLYPOSIS 1, ATTENUATED; POLYPOSIS, ADENOMATOUS INTESTINAL. Identifiers: MedGen C2713442, MONDO:0021056, OMIM 175100. Disease mechanism: loss of function.

Submission:

Labcorp Genetics (formerly Invitae), Labcorp
Classification: Uncertain significance for Familial adenomatous polyposis 1. Last evaluated: 2021-01-21. Review status: criteria provided, single submitter. Criteria: Invitae Variant Classification Sherloc (09022015). Collection method: clinical testing. Allele origin: germline.
Comment: This variant occurs in a non-coding region of the APC gene. It does not change the encoded amino acid sequence of the APC protein. The frequency data for this variant in the population databases is considered unreliable, as metrics indicate insufficient coverage at this position in the ExAC database. This variant has not been reported in the literature in individuals with APC-related conditions. Experimental studies and prediction algorithms are not available or were not evaluated, and the functional significance of this variant is currently unknown. In summary, the available evidence is currently insufficient to determine the role of this variant in disease. Therefore, it has been classified as a Variant of Uncertain Significance.

NM_001127511.3(APC):c.-128_-127delinsTT

Gene: APC (APC regulator of Wnt signaling pathway; plus strand). Cytogenetic location: 5q22.2.
Variant type: Indel.
Coding change: c.-128_-127delinsTT on transcript NM_001127511.3; 128 bases upstream of the start codon through 127 bases upstream of the start codon, GG replaced by TT.
Molecular consequence: 5 prime UTR variant. On other transcripts: non-coding transcript variant (2).
Genome position (GRCh38, 1-based): chr5:112,707,590-112,707,591, GG replaced by TT. VCF-style: chr5-112707590-GG-TT. GRCh37 (hg19) VCF-style: chr5-112043287-GG-TT.
Other names: c.-311_-310delinsTT (NM_001354895.2, NM_001407447.1, NM_001407452.1 and 3 more transcripts); c.-128_-127delinsTT (NM_001354897.2, NM_001354902.2, NM_001407446.1); c.-78_-77delinsTT (NM_001407448.1, NM_001407450.1, NM_001407457.1 and 1 more transcripts); c.-102_-101delinsTT (NM_001407453.1); c.-1346_-1345delinsTT (NM_001407470.1, NM_001407472.1).
Identifiers: ClinVar variation 1426422 (VCV001426422.6), dbSNP rs2149629636, ClinGen allele CA2573138781.